The following is an entry in ClinVar:

ClinVar aggregate classification (germline): Uncertain significance (1 of 4 stars; one submission).

Submission:

GeneDx
Classification: Uncertain significance. Last evaluated: 2024-12-26. Review status: criteria provided, single submitter. Criteria: GeneDx Variant Classification Process June 2021. Collection method: clinical testing. Allele origin: germline. Affected: yes.
Comment: Not observed at significant frequency in large population cohorts (gnomAD); In silico analysis supports that this missense variant has a deleterious effect on protein structure/function; Has not been previously published as pathogenic or benign to our knowledge

NM_001127392.3(MYRF):c.1354T>A (p.Ser452Thr)

Gene: MYRF (myelin regulatory factor; plus strand). Cytogenetic location: 11q12.2.
Variant type: single nucleotide variant.
Coding change: c.1354T>A on transcript NM_001127392.3 (MANE Select); coding-DNA position 1354, T replaced by A.
Protein change: p.Ser452Thr; replaces serine 452 with threonine.
Molecular consequence: missense variant.
Genome position (GRCh38, 1-based): chr11:61,776,098, T>A. VCF-style: chr11-61776098-T-A. GRCh37 (hg19) VCF-style: chr11-61543570-T-A.
Other names: c.1327T>A, p.Ser443Thr (NM_013279.4); short protein forms S443T, S452T.
Identifiers: ClinVar variation 3907838 (VCV003907838.1).